The following is an entry in ClinVar:

ClinVar aggregate classification (germline): Pathogenic (1 of 4 stars; one submission).

Conditions:
Familial cancer of breast. Also called: hereditary breast carcinoma; BREAST CANCER, FAMILIAL; Hereditary breast cancer. Identifiers: Orphanet 227535, MedGen C0346153, MONDO:0016419, OMIM 114480. Disease mechanism: loss of function.

Submission:

Myriad Genetics, Inc.
Classification: Pathogenic for Familial cancer of breast. Last evaluated: 2025-04-02. Review status: criteria provided, single submitter. Criteria: Myriad Autosomal Dominant, Autosomal Recessive and X-Linked Classification Criteria (2023). Collection method: clinical testing. Allele origin: unknown.
Comment: This variant is considered pathogenic. This variant creates a frameshift predicted to result in premature protein truncation.

NM_032043.3(BRIP1):c.2660del (p.Lys887fs)

Gene: BRIP1 (BRCA1 interacting DNA helicase 1; minus strand). Cytogenetic location: 17q23.2.
Variant type: Deletion.
Coding change: c.2660del on transcript NM_032043.3 (MANE Select); coding-DNA position 2660, one base deleted (A; older notation c.2660delA).
Protein change: p.Lys887fs; shifts the reading frame from lysine 887.
Molecular consequence: frameshift variant.
Genome position (GRCh38, 1-based): chr17:61,686,081, T deleted on the plus strand (A on the coding strand, the reverse complement: BRIP1 is on the minus strand); the first of 5 consecutive T bases (chr17:61,686,081-61,686,085); deleting any one gives the same sequence. VCF-style (leftmost placement, unchanged base first): chr17-61686080-CT-C. GRCh37 (hg19) VCF-style: chr17-59763441-CT-C.
Other names: short protein forms K887fs.
Identifiers: ClinVar variation 4071423 (VCV004071423.1).